The following is an entry in ClinVar:

NM_006258.4(PRKG1):c.839C>T (p.Thr280Met)

Gene: PRKG1 (protein kinase cGMP-dependent 1; plus strand). Cytogenetic location: 10q21.1.
Variant type: single nucleotide variant.
Coding change: c.839C>T on transcript NM_006258.4 (MANE Select); coding-DNA position 839, C replaced by T.
Protein change: p.Thr280Met; replaces threonine 280 with methionine.
Molecular consequence: missense variant.
Genome position (GRCh38, 1-based): chr10:52,054,560, C>T. VCF-style: chr10-52054560-C-T. GRCh37 (hg19) VCF-style: chr10-53814320-C-T.
Other names: c.794C>T, p.Thr265Met (LRG_1135t2, NM_001098512.3); c.839C>T, p.Thr280Met (LRG_1135t1); short protein forms T265M, T280M.
Identifiers: ClinVar variation 648390 (VCV000648390.14), dbSNP rs376134488, ClinGen allele CA5503627.
Genomic context (GRCh38, chr10:52,054,560, plus strand): 5'-GAGAATATATTATCAGGCAAGGTGCAAGAGGGGACACCTTCTTTATCATCAGCAAAGGAA[C>T]GGTAAGCTTTGGTGGCACAAGACAGTGATGCACTAGGGGAGCCTGGGGTTGGTTAGTAAC-3'
Protein context (NP_006249.1, residues 270-290): GDTFFIISKG[Thr280Met]VNVTREDSPS

ClinVar aggregate classification (germline): Conflicting classifications of pathogenicity. Review status: criteria provided, conflicting classifications (1 of 4 stars). 5 submissions from 5 submitters: Uncertain significance (4); Likely benign (1). Last evaluated 2025-11-25.

Conditions:
Familial thoracic aortic aneurysm and aortic dissection (TAAD). Also called: Thoracic aortic aneurysms and dissections. Identifiers: Orphanet 91387, MedGen C4707243, MONDO:0019625.
Aortic aneurysm, familial thoracic 8 (AAT8). Identifiers: MedGen C3809513, MONDO:0014187, OMIM 615436.

Allele frequency attached by ClinVar (database versions not stated): ExAC 0.00006; TOPMed 0.00013; gnomAD 0.00011; 1000 Genomes Project 30x 0.00031; gnomAD exomes 0.00005 and 0.00007; ESP Exome Variant Server 0.00008.
gnomAD v4.1: 82 of 1,613,302 alleles (0.0051%); highest among the groups gnomAD compares: South Asian, 0.018%; no homozygotes.

Submissions (5):

GeneDx
Classification: Uncertain significance. Last evaluated: 2025-11-25. Review status: criteria provided, single submitter. Criteria: GeneDx Variant Classification Process June 2021. Collection method: clinical testing. Allele origin: germline.
Comment: Reported in one proband with TAAD who underwent whole exome sequencing, though, this individual harbored additional variants in the FBN1 and COL1A1 genes (PMID: 26188975); In silico analysis suggests that this missense variant does not alter protein structure/function; This variant is associated with the following publications: (PMID: 32639993, 26188975)

Ambry Genetics
Classification: Uncertain significance for Familial thoracic aortic aneurysm and aortic dissection. Last evaluated: 2025-07-29. Review status: criteria provided, single submitter. Criteria: Ambry Variant Classification Scheme 2023. Collection method: clinical testing. Allele origin: germline.
Comment: The p.T280M variant (also known as c.839C>T), located in coding exon 6 of the PRKG1 gene, results from a C to T substitution at nucleotide position 839. The threonine at codon 280 is replaced by methionine, an amino acid with similar properties. This alteration has been reported in a thoracic aortic aneurysm and dissection (TAAD) cohort in an individual with an aortic aneurysm and additional alterations in other related genes identified (Ziganshin BA et al. Ann Thorac Surg, 2015 Nov;100:1604-11). This amino acid position is poorly conserved in available vertebrate species. In addition, this alteration is predicted to be tolerated by in silico analysis. Since supporting evidence is limited at this time, the clinical significance of this alteration remains unclear.

ARUP Laboratories, Molecular Genetics and Genomics, ARUP Laboratories
Classification: Uncertain significance for Aortic aneurysm, familial thoracic 8. Last evaluated: 2025-06-12. Review status: criteria provided, single submitter. Criteria: ARUP Molecular Germline Variant Investigation Process 2024. Collection method: clinical testing. Allele origin: germline.
Comment: The PRKG1 c.839C>T; p.Thr280Met variant (rs376134488, ClinVar Variation ID: 648390) is reported in the literature in an individual affected with aneurysm of the aortic root and ascending aorta who also carries variants in FBN1 and COL1A1 (Ziganshin 2015). This variant is found in the general population with an allele frequency of 0.007% (20/282514 alleles) in the Genome Aggregation Database (v2.1.1). This missense variant is located within the minimal splice region. Computational analyses are uncertain whether this variant is neutral or deleterious (REVEL: 0.416). Due to limited information, the clinical significance of this variant is uncertain at this time. References: Ziganshin BA et al. Routine Genetic Testing for Thoracic Aortic Aneurysm and Dissection in a Clinical Setting. Ann Thorac Surg. 2015 Nov;100(5):1604-11. PMID: 26188975.

Labcorp Genetics (formerly Invitae), Labcorp
Classification: Uncertain significance for Aortic aneurysm, familial thoracic 8. Last evaluated: 2024-12-10. Review status: criteria provided, single submitter. Criteria: Invitae Variant Classification Sherloc (09022015). Collection method: clinical testing. Allele origin: germline.
Comment: This sequence change replaces threonine, which is neutral and polar, with methionine, which is neutral and non-polar, at codon 280 of the PRKG1 protein (p.Thr280Met). This variant is present in population databases (rs376134488, gnomAD 0.02%). This variant has not been reported in the literature in individuals affected with PRKG1-related conditions. ClinVar contains an entry for this variant (Variation ID: 648390). An algorithm developed to predict the effect of missense changes on protein structure and function (PolyPhen-2) suggests that this variant¬†is likely to be tolerated. In summary, the available evidence is currently insufficient to determine the role of this variant in disease. Therefore, it has been classified as a Variant of Uncertain Significance.

Women's Health and Genetics/Laboratory Corporation of America, LabCorp
Classification: Likely benign. Last evaluated: 2024-03-12. Review status: criteria provided, single submitter. Criteria: LabCorp Variant Classification Summary - May 2015. Collection method: clinical testing. Allele origin: germline.
Comment: Variant summary: PRKG1 c.839C>T (p.Thr280Met) results in a non-conservative amino acid change located in the Cyclic nucleotide-binding domain (IPR000595) of the encoded protein sequence. Three of five in-silico tools predict a damaging effect of the variant on protein function. Consensus agreement among computation tools predict no significant impact on normal splicing. However, these predictions have yet to be confirmed by functional studies. The variant allele was found at a frequency of 6.8e-05 in 251146 control chromosomes. The observed variant frequency is approximately 6-fold of the estimated maximal expected allele frequency for a pathogenic variant in PRKG1 causing Thoracic Aortic Aneurysms And Dissections phenotype (1.3e-05), strongly suggesting that the variant is benign. c.839C>T has been reported in the literature in one individuals affected with Thoracic Aortic Aneurysms And Dissections, with another VUS missense in FBN1 gene (Ziganshin_2015). These report(s) do not provide unequivocal conclusions about association of the variant with Thoracic Aortic Aneurysms And Dissections. To our knowledge, no experimental evidence demonstrating an impact on protein function has been reported. The following publication have been ascertained in the context of this evaluation (PMID: 26188975). ClinVar contains an entry for this variant (Variation ID: 648390). Based on the evidence outlined above, the variant was classified as likely benign.

Literature cited by the submitters: PubMed 26188975 (cited by Ambry Genetics and Women's Health and Genetics/Laboratory Corporation of America, LabCorp).